The following is an entry in ClinVar:

NM_001105206.3(LAMA4):c.2056+40G>T

Gene: LAMA4 (laminin subunit alpha 4; minus strand). Cytogenetic location: 6q21.
Variant type: single nucleotide variant.
Coding change: c.2056+40G>T on transcript NM_001105206.3 (MANE Select); 40 bases into the intron after coding-DNA position 2056, G replaced by T.
Molecular consequence: intron variant.
Genome position (GRCh38, 1-based): chr6:112,154,811, C>A on the plus strand (G>T on the coding strand, the complement: LAMA4 is on the minus strand). VCF-style: chr6-112154811-C-A. GRCh37 (hg19) VCF-style: chr6-112476013-C-A.
Other names: c.2035+40G>T (NM_002290.5, NM_001105207.3).
Identifiers: ClinVar variation 671361 (VCV000671361.1), dbSNP rs2277085, ClinGen allele CA3965601.

ClinVar aggregate classification (germline): Benign (1 of 4 stars; one submission).

Allele frequency attached by ClinVar (database versions not stated): gnomAD exomes 0.01045; ExAC 0.01084; ESP Exome Variant Server 0.01476; gnomAD 0.01727; TOPMed 0.01947; 1000 Genomes Project 30x 0.02748; 1000 Genomes Project 0.02776.
gnomAD v4.1: 8,204 of 1,217,238 alleles (0.67%); highest among the groups gnomAD compares: East Asian, 8.2%; 234 homozygotes.

Submission:

GeneDx
Classification: Benign. Last evaluated: 2018-06-14. Review status: criteria provided, single submitter. Criteria: GeneDx Variant Classification (06012015). Collection method: clinical testing. Allele origin: germline. Affected: yes.
Comment: This variant is considered likely benign or benign based on one or more of the following criteria: it is a conservative change, it occurs at a poorly conserved position in the protein, it is predicted to be benign by multiple in silico algorithms, and/or has population frequency not consistent with disease.